The following is an entry in ClinVar:

ClinVar aggregate classification (germline): Conflicting classifications of pathogenicity. Review status: criteria provided, conflicting classifications (1 of 4 stars). 6 submissions from 6 submitters: Uncertain significance (1); Likely benign (4). 1 of the submissions does not count toward it. Last evaluated 2026-01-24.

Conditions:
ITK-related disorder. Also called: ITK-related condition.
Lymphoproliferative syndrome 1 (LPFS1). Identifiers: Orphanet 238505, Orphanet 538963, MedGen C3552634, MONDO:0013081, OMIM 613011.

Allele frequency attached by ClinVar (database versions not stated): 1000 Genomes Project 30x 0.00016; TOPMed 0.00039; ESP Exome Variant Server 0.00077.
gnomAD v4.1: 641 of 1,613,090 alleles (0.04%); highest among the groups gnomAD compares: Middle Eastern, 0.049%; 1 homozygote.

Submissions (6):

Labcorp Genetics (formerly Invitae), Labcorp
Classification: Likely benign for Lymphoproliferative syndrome 1. Last evaluated: 2026-01-24. Review status: criteria provided, single submitter. Criteria: Invitae Variant Classification Sherloc (09022015). Collection method: clinical testing. Allele origin: germline.

Mayo Clinic Laboratories, Mayo Clinic
Classification: Likely benign. Last evaluated: 2025-11-25. Review status: criteria provided, single submitter. Criteria: ACMG Guidelines, 2015. Collection method: clinical testing. Allele origin: germline. Observed: 4 variant alleles.
Comment: BS1, BP4, BP7

CeGaT Center for Human Genetics Tuebingen
Classification: Likely benign. Last evaluated: 2025-08-01. Review status: criteria provided, single submitter. Criteria: CeGaT Center For Human Genetics Tuebingen Variant Classification Criteria Version 2. Collection method: clinical testing. Allele origin: germline. Affected: yes. Observed: 1 variant allele.
Comment: ITK: BP4, BP7

Blueprint Genetics
Classification: Likely benign. Last evaluated: 2024-11-22. Review status: criteria provided, single submitter. Criteria: ACMG Guidelines, 2015. Collection method: clinical testing. Allele origin: germline.

Illumina Laboratory Services, Illumina
Classification: Uncertain significance for Lymphoproliferative syndrome 1. Last evaluated: 2018-01-13. Review status: criteria provided, single submitter. Criteria: ICSL Variant Classification Criteria 13 December 2019. Collection method: clinical testing. Allele origin: germline.

PreventionGenetics, part of Exact Sciences
Classification: Likely benign for ITK-related condition. Last evaluated: 2019-04-12. Review status: no assertion criteria provided. Collection method: clinical testing. Allele origin: germline. Not counted in ClinVar's aggregate classification.
Comment: This variant is classified as likely benign based on ACMG/AMP sequence variant interpretation guidelines (Richards et al. 2015 PMID: 25741868, with internal and published modifications).

NM_005546.4(ITK):c.150G>A (p.Thr50=)

Gene: ITK (IL2 inducible T cell kinase; plus strand). Cytogenetic location: 5q33.3.
Variant type: single nucleotide variant.
Coding change: c.150G>A on transcript NM_005546.4 (MANE Select); coding-DNA position 150, G replaced by A.
Protein change: p.Thr50=; no amino-acid change (threonine 50 retained).
Molecular consequence: synonymous variant.
Genome position (GRCh38, 1-based): chr5:157,208,900, G>A. VCF-style: chr5-157208900-G-A. GRCh37 (hg19) VCF-style: chr5-156635911-G-A.
Other names: p.Thr50=.
Identifiers: ClinVar variation 352457 (VCV000352457.28), dbSNP rs61743239, ClinGen allele CA3532647.